The following is an entry in ClinVar:

ClinVar aggregate classification (germline): Uncertain significance (1 of 4 stars; one submission).

Submission:

GeneDx
Classification: Uncertain significance. Last evaluated: 2022-10-11. Review status: criteria provided, single submitter. Criteria: GeneDx Variant Classification Process June 2021. Collection method: clinical testing. Allele origin: germline. Affected: yes.
Comment: Not observed at significant frequency in large population cohorts (gnomAD); In silico analysis supports a deleterious effect on protein structure/function; Has not been previously published as pathogenic or benign to our knowledge

NM_006088.6(TUBB4B):c.526_527delinsAT (p.Ser176Ile)

Gene: TUBB4B (tubulin beta 4B class IVb; plus strand). Cytogenetic location: 9q34.3.
Variant type: Indel.
Coding change: c.526_527delinsAT on transcript NM_006088.6 (MANE Select); coding-DNA positions 526 to 527, TC replaced by AT.
Protein change: p.Ser176Ile; replaces serine 176 with isoleucine.
Molecular consequence: missense variant.
Genome position (GRCh38, 1-based): chr9:137,242,744-137,242,745, TC replaced by AT. VCF-style: chr9-137242744-TC-AT. GRCh37 (hg19) VCF-style: chr9-140137196-TC-AT.
Other names: short protein forms S176I.
Identifiers: ClinVar variation 2499276 (VCV002499276.1), dbSNP rs2538829171, ClinGen allele CA2580080964.